The following is an entry in ClinVar:

ClinVar aggregate classification (germline): Uncertain significance (1 of 4 stars; one submission).

Conditions:
VPS13B-related disorder. Also called: VPS13B-related condition.

Submission:

PreventionGenetics, part of Exact Sciences
Classification: Uncertain significance for VPS13B-related condition. Last evaluated: 2026-08-01. Review status: criteria provided, single submitter. Criteria: ACMG Guidelines, 2015. Collection method: clinical testing. Allele origin: germline.
Comment: The VPS13B c.5282C>G variant is predicted to result in the amino acid substitution p.Ser1761Cys. To our knowledge, this variant has not been reported in the literature or in a large population database (gnomAD), indicating this variant is rare. At this time, the clinical significance of this variant is uncertain due to the absence of conclusive functional and genetic evidence.

NM_152564.5(VPS13B):c.5282C>G (p.Ser1761Cys)

Gene: VPS13B (vacuolar protein sorting 13 homolog B; plus strand). Cytogenetic location: 8q22.2.
Variant type: single nucleotide variant.
Coding change: c.5282C>G on transcript NM_152564.5 (MANE Select); coding-DNA position 5282, C replaced by G.
Protein change: p.Ser1761Cys; replaces serine 1761 with cysteine.
Molecular consequence: missense variant.
Genome position (GRCh38, 1-based): chr8:99,641,872, C>G. VCF-style: chr8-99641872-C-G. GRCh37 (hg19) VCF-style: chr8-100654100-C-G.
Other names: c.5357C>G, p.Ser1786Cys (NM_017890.5); short protein forms S1761C, S1786C.
Identifiers: ClinVar variation 4977726 (VCV004977726.1).